The following is an entry in ClinVar:

ClinVar aggregate classification (germline): Uncertain significance (1 of 4 stars; one submission).

Conditions:
Arrhythmogenic right ventricular dysplasia 10. Also called: Arrhythmogenic Right Ventricular Dysplasia/Cardiomyopathy10; Arrhythmogenic right ventricular dysplasia/cardiomyopathy, type 10; ARRHYTHMOGENIC RIGHT VENTRICULAR DYSPLASIA, FAMILIAL, 10. Identifiers: MedGen C1857777, MONDO:0012434, OMIM 610193.

Allele frequency attached by ClinVar (database versions not stated): gnomAD exomes 0.00001.
gnomAD v4.1: 4 of 1,613,774 alleles (0.00025%); highest among the groups gnomAD compares: Non-Finnish European, 0.00025%; no homozygotes.

Submission:

Labcorp Genetics (formerly Invitae), Labcorp
Classification: Uncertain significance for Arrhythmogenic right ventricular dysplasia 10. Last evaluated: 2023-05-15. Review status: criteria provided, single submitter. Criteria: Invitae Variant Classification Sherloc (09022015). Collection method: clinical testing. Allele origin: germline.
Comment: In summary, the available evidence is currently insufficient to determine the role of this variant in disease. Therefore, it has been classified as a Variant of Uncertain Significance. Advanced modeling of protein sequence and biophysical properties (such as structural, functional, and spatial information, amino acid conservation, physicochemical variation, residue mobility, and thermodynamic stability) performed at Invitae indicates that this missense variant is not expected to disrupt DSG2 protein function. ClinVar contains an entry for this variant (Variation ID: 1024233). This variant has not been reported in the literature in individuals affected with DSG2-related conditions. This variant is present in population databases (no rsID available, gnomAD 0.002%). This sequence change replaces threonine, which is neutral and polar, with isoleucine, which is neutral and non-polar, at codon 936 of the DSG2 protein (p.Thr936Ile).

NM_001943.5(DSG2):c.2807C>T (p.Thr936Ile)

Genes: DSG2-AS1 (DSG2 antisense RNA 1; minus strand), DSG2 (desmoglein 2; plus strand). Cytogenetic location: 18q12.1.
Variant type: single nucleotide variant.
Coding change: c.2807C>T on transcript NM_001943.5 (MANE Select); coding-DNA position 2807, C replaced by T.
Protein change: p.Thr936Ile; replaces threonine 936 with isoleucine.
Molecular consequence: missense variant.
Genome position (GRCh38, 1-based): chr18:31,546,193, C>T. VCF-style: chr18-31546193-C-T. GRCh37 (hg19) VCF-style: chr18-29126156-C-T.
Other names: short protein forms T936I.
Identifiers: ClinVar variation 1024233 (VCV001024233.8), dbSNP rs1221413592, ClinGen allele CA402146814.
Genomic context (GRCh38, chr18:31,546,193, plus strand): 5'-AGGCGCAAAAGGTAGCTACACCTCTTCCTGACCCAATGGCTTCTAGAAATGTGATAGCAA[C>T]AGAAACTTCCTATGTCACAGGGTCCACTATGCCACCAACCACTGTGATCCTGGGTCCTAG-3'
Protein context (NP_001934.2, residues 926-946): DPMASRNVIA[Thr936Ile]ETSYVTGSTM